The following is an entry in ClinVar:

NM_020821.3(VPS13C):c.7724C>T (p.Pro2575Leu)

Gene: VPS13C (vacuolar protein sorting 13 homolog C; minus strand). Cytogenetic location: 15q22.2.
Variant type: single nucleotide variant.
Coding change: c.7724C>T on transcript NM_020821.3 (MANE Select); coding-DNA position 7724, C replaced by T.
Protein change: p.Pro2575Leu; replaces proline 2575 with leucine.
Molecular consequence: missense variant.
Genome position (GRCh38, 1-based): chr15:61,918,172, G>A on the plus strand (C>T on the coding strand, the complement: VPS13C is on the minus strand). VCF-style: chr15-61918172-G-A. GRCh37 (hg19) VCF-style: chr15-62210371-G-A.
Other names: c.7724C>T, p.Pro2575Leu (NM_001018088.3); c.7595C>T, p.Pro2532Leu (NM_017684.5, NM_018080.4); short protein forms P2575L, P2532L.
Identifiers: ClinVar variation 1418391 (VCV001418391.4), dbSNP rs1415338111, ClinGen allele CA392681224.

ClinVar aggregate classification (germline): Uncertain significance (1 of 4 stars; one submission).

gnomAD v4.1: 1 of 1,600,336 alleles (0.000062%); highest among the groups gnomAD compares: Non-Finnish European, 0.000085%; no homozygotes.

Submission:

Labcorp Genetics (formerly Invitae), Labcorp
Classification: Uncertain significance. Last evaluated: 2021-10-21. Review status: criteria provided, single submitter. Criteria: Invitae Variant Classification Sherloc (09022015). Collection method: clinical testing. Allele origin: germline.
Comment: In summary, the available evidence is currently insufficient to determine the role of this variant in disease. Therefore, it has been classified as a Variant of Uncertain Significance. Algorithms developed to predict the effect of missense changes on protein structure and function are either unavailable or do not agree on the potential impact of this missense change (SIFT: "Deleterious"; PolyPhen-2: "Probably Damaging"; Align-GVGD: "Class C0"). This variant has not been reported in the literature in individuals affected with VPS13C-related conditions. This variant is not present in population databases (ExAC no frequency). This sequence change replaces proline with leucine at codon 2575 of the VPS13C protein (p.Pro2575Leu). The proline residue is highly conserved and there is a moderate physicochemical difference between proline and leucine.